The following is an entry in ClinVar:

NM_017780.4(CHD7):c.1454T>C (p.Leu485Pro)

Gene: CHD7 (chromodomain helicase DNA binding protein 7; plus strand). Cytogenetic location: 8q12.2.
Variant type: single nucleotide variant.
Coding change: c.1454T>C on transcript NM_017780.4 (MANE Select); coding-DNA position 1454, T replaced by C.
Protein change: p.Leu485Pro; replaces leucine 485 with proline.
Molecular consequence: missense variant.
Genome position (GRCh38, 1-based): chr8:60,742,886, T>C. VCF-style: chr8-60742886-T-C. GRCh37 (hg19) VCF-style: chr8-61655445-T-C.
Other names: c.1454T>C, p.Leu485Pro (NM_001316690.1); c.1454T>C (NM_017780.2); short protein forms L485P.
Identifiers: ClinVar variation 939998 (VCV000939998.10), dbSNP rs1313748646, ClinGen allele CA371303034.

ClinVar aggregate classification (germline): Conflicting classifications of pathogenicity. Review status: criteria provided, conflicting classifications (1 of 4 stars). 2 submissions from 2 submitters: Uncertain significance (1); Likely benign (1). Last evaluated 2023-10-03.

Conditions:
CHARGE syndrome (CHARGE). Also called: Hittner Hirsch Kreh syndrome; Coloboma, heart anomaly, choanal atresia, retardation, genital and ear anomalies; CHARGE association; Hall-Hittner syndrome; CHARGE ASSOCIATION--COLOBOMA, HEART ANOMALY, CHOANAL ATRESIA, RETARDATION, GENITAL AND EAR ANOMALIES. Identifiers: Orphanet 138, MedGen C0265354, MONDO:0008965.

Allele frequency attached by ClinVar (database versions not stated): TOPMed 0.00002; gnomAD exomes below 0.00001 and 0.00001.
gnomAD v4.1: 12 of 1,612,354 alleles (0.00074%); highest among the groups gnomAD compares: East Asian, 0.0067%; no homozygotes.

Submissions (2):

Labcorp Genetics (formerly Invitae), Labcorp
Classification: Likely benign for CHARGE syndrome. Last evaluated: 2023-10-03. Review status: criteria provided, single submitter. Criteria: Invitae Variant Classification Sherloc (09022015). Collection method: clinical testing. Allele origin: germline.

GeneDx
Classification: Uncertain significance. Last evaluated: 2022-12-19. Review status: criteria provided, single submitter. Criteria: GeneDx Variant Classification Process June 2021. Collection method: clinical testing. Allele origin: germline. Affected: yes.
Comment: Not observed at significant frequency in large population cohorts (gnomAD); In silico analysis supports that this missense variant has a deleterious effect on protein structure/function; Has not been previously published as pathogenic or benign to our knowledge